The following is an entry in ClinVar:

ClinVar aggregate classification (germline): Likely pathogenic (0 of 4 stars; one submission).

Conditions:
Warsaw breakage syndrome (WABS). Also called: DDX11-Related Cohesinopathy. Identifiers: Orphanet 280558, MedGen C3150658, MONDO:0013252, OMIM 613398.

Submission:

Prenatal Diagnosis Center, The Affiliated Hospital of Qingdao University
Classification: Likely pathogenic for Warsaw breakage syndrome. Review status: no assertion criteria provided. Collection method: clinical testing. Allele origin: inherited. Inheritance: Autosomal recessive inheritance. Affected: yes.
Comment: PVS1: This variation causes a change in the open reading frame of the gene, resulting in a change in protein function; PM2: This variation was not found in the reference population's 1000G genome, the Shenzhou genome database, the Human Exome Database (ExAC), and the population genome mutation frequency database (gnomAD).

Literature cited by the submitters: PubMed 33669056.

NM_030653.4(DDX11):c.2120del (p.Phe707fs)

Gene: DDX11 (DEAD/H-box helicase 11; plus strand). Cytogenetic location: 12p11.21.
Variant type: Deletion.
Coding change: c.2120del on transcript NM_030653.4 (MANE Select); coding-DNA position 2120, one base deleted (T; older notation c.2120delT).
Protein change: p.Phe707fs; shifts the reading frame from phenylalanine 707.
Molecular consequence: frameshift variant. On other transcripts: non-coding transcript variant (4), intron variant (1).
Genome position (GRCh38, 1-based): chr12:31,101,900, T deleted; the last of 2 consecutive T bases (chr12:31,101,899-31,101,900); deleting either gives the same sequence. VCF-style (leftmost placement, unchanged base first): chr12-31101898-CT-C. GRCh37 (hg19) VCF-style: chr12-31254832-CT-C.
Other names: c.2120del, p.Phe707fs (NM_001257144.2, NM_001413692.1, NM_001413693.1 and 4 more transcripts); c.2042del, p.Phe681fs (NM_001257145.2, NM_001413697.1, NM_001413698.1 and 1 more transcripts); c.2053-343del (NM_004399.3); c.2033del, p.Phe678fs (NM_001413700.1); c.1592del, p.Phe531fs (NM_001413702.1, NM_001413703.1); c.1259del, p.Phe420fs (NM_001413704.1, NM_001413705.1); c.1154del, p.Phe385fs (NM_001413706.1); short protein forms F385fs, F420fs, F531fs, F678fs, F681fs, F707fs.
Identifiers: ClinVar variation 4073610 (VCV004073610.1).